The following is an entry in ClinVar:

NM_000214.3(JAG1):c.596del (p.Phe199fs)

Gene: JAG1 (jagged canonical Notch ligand 1; minus strand). Cytogenetic location: 20p12.2.
Variant type: Deletion.
Coding change: c.596del on transcript NM_000214.3 (MANE Select); coding-DNA position 596, one base deleted (T; older notation c.596delT).
Protein change: p.Phe199fs; shifts the reading frame from phenylalanine 199.
Molecular consequence: frameshift variant.
Genome position (GRCh38, 1-based): chr20:10,658,566, A deleted on the plus strand (T on the coding strand, the reverse complement: JAG1 is on the minus strand); the first of 2 consecutive A bases (chr20:10,658,566-10,658,567); deleting either gives the same sequence. VCF-style (leftmost placement, unchanged base first): chr20-10658565-GA-G. GRCh37 (hg19) VCF-style: chr20-10639213-GA-G.
Other names: short protein forms F199fs.
Identifiers: ClinVar variation 2636985 (VCV002636985.1), dbSNP rs2514526520, ClinGen allele CA2695201377.
Genomic context (GRCh38, chr20:10,658,565, plus strand): 5'-AGTTTTGTTGCCATTCTGGTCACAGGCATAGTGTCCAAAGAAGTCATCTCTGGGGCGGCA[GA>G]ACTTATTGCAGCCAAAGCCATAGTAGTAGTCATCACAGGTCACGCGGATCTGATACTCAA-3'

ClinVar aggregate classification (germline): Likely pathogenic (1 of 4 stars; one submission).

Conditions:
JAG1-related disorder. Also called: JAG1-related condition; JAG1-related disorders.

Submission:

PreventionGenetics, part of Exact Sciences
Classification: Likely pathogenic for JAG1-related condition. Last evaluated: 2022-09-09. Review status: criteria provided, single submitter. Criteria: ACMG Guidelines, 2015. Collection method: clinical testing. Allele origin: germline.
Comment: The JAG1 c.596delT variant is predicted to result in a frameshift and premature protein termination (p.Phe199Serfs*213). To our knowledge, this variant has not been reported in the literature or in a large population database, indicating this variant is rare. Frameshift variants in JAG1 are expected to be pathogenic. This variant is interpreted as likely pathogenic.